The following is an entry in ClinVar:

NM_020779.4(WDR35):c.3363-10C>T

Gene: WDR35 (WD repeat domain 35; minus strand). Cytogenetic location: 2p24.1.
Variant type: single nucleotide variant.
Coding change: c.3363-10C>T on transcript NM_020779.4 (MANE Select); 10 bases into the intron before coding-DNA position 3363, C replaced by T.
Molecular consequence: intron variant.
Genome position (GRCh38, 1-based): chr2:19,913,718, G>A on the plus strand (C>T on the coding strand, the complement: WDR35 is on the minus strand). VCF-style: chr2-19913718-G-A. GRCh37 (hg19) VCF-style: chr2-20113479-G-A.
Other names: c.3396-10C>T (NM_001006657.1, NM_001006657.2).
Identifiers: ClinVar variation 2923325 (VCV002923325.5), dbSNP rs373583891, ClinGen allele CA1542675.

ClinVar aggregate classification (germline): Likely benign. Review status: criteria provided, single submitter (1 of 4 stars). 2 submissions from 2 submitters: Likely benign (1). 1 of the submissions does not count toward it. Last evaluated 2023-02-14.

Conditions:
WDR35-related disorder. Also called: WDR35-related disorders; WDR35-related condition. Identifiers: MedGen CN239419.
Short-rib thoracic dysplasia 7 with or without polydactyly (SRTD7). Also called: Short rib polydactyly syndrome 5; SHORT-RIB THORACIC DYSPLASIA 7 WITH POLYDACTYLY. Identifiers: Orphanet 498497, Orphanet 93271, MedGen C3279792, MONDO:0013569, OMIM 614091.
Cranioectodermal dysplasia 2 (CED2). Identifiers: Orphanet 1515, MedGen C3150874, MONDO:0013323, OMIM 613610.

Allele frequency attached by ClinVar (database versions not stated): gnomAD 0.00007; TOPMed 0.00007; ESP Exome Variant Server 0.00008.
gnomAD v4.1: 82 of 1,613,708 alleles (0.0051%); highest among the groups gnomAD compares: Non-Finnish European, 0.006%; no homozygotes.

Submissions (2):

Labcorp Genetics (formerly Invitae), Labcorp
Classification: Likely benign for Cranioectodermal dysplasia 2; Short-rib thoracic dysplasia 7 with or without polydactyly. Last evaluated: 2023-02-14. Review status: criteria provided, single submitter. Criteria: Invitae Variant Classification Sherloc (09022015). Collection method: clinical testing. Allele origin: germline.

PreventionGenetics, part of Exact Sciences
Classification: Likely benign for WDR35-related condition. Last evaluated: 2019-10-29. Review status: no assertion criteria provided. Collection method: clinical testing. Allele origin: germline. Not counted in ClinVar's aggregate classification.
Comment: This variant is classified as likely benign based on ACMG/AMP sequence variant interpretation guidelines (Richards et al. 2015 PMID: 25741868, with internal and published modifications).